The following is an entry in ClinVar:

ClinVar aggregate classification (germline): Benign/Likely benign. Review status: criteria provided, multiple submitters, no conflicts (2 of 4 stars). 6 submissions from 4 submitters: Benign (1); Likely benign (5). Last evaluated 2026-01-28.

Conditions:
Charcot-Marie-Tooth disease axonal type 2X. Also called: CHARCOT-MARIE-TOOTH DISEASE, AXONAL, AUTOSOMAL RECESSIVE, TYPE 2X; CHARCOT-MARIE-TOOTH NEUROPATHY, TYPE 2X. Identifiers: Orphanet 466775, MedGen C5569024, MONDO:0014726, OMIM 616668.
Hereditary spastic paraplegia 11. Also called: Nakamura Osame syndrome; Autosomal recessive hereditary spastic paraplegia, mental impairment, and thin corpus callosum; Spastic Paraplegia 11; Spastic paraplegia, mental retardation and thin corpus callosum; SPASTIC PARAPLEGIA, AUTOSOMAL RECESSIVE, COMPLICATED, WITH THIN CORPUS CALLOSUM; SPASTIC PARAPLEGIA, AUTOSOMAL RECESSIVE, WITH MENTAL IMPAIRMENT AND THIN CORPUS CALLOSUM. Identifiers: Orphanet 2822, MedGen C1858479, MONDO:0011445, OMIM 604360.
Amyotrophic lateral sclerosis type 5 (ALS5). Also called: AMYOTROPHIC LATERAL SCLEROSIS 5, JUVENILE. Identifiers: Orphanet 300605, MedGen C1865864, MONDO:0011196, OMIM 602099.

Allele frequency attached by ClinVar (database versions not stated): 1000 Genomes Project 30x 0.00031; 1000 Genomes Project 0.00040; ESP Exome Variant Server 0.00072; TOPMed 0.00108.
gnomAD v4.1: 2,138 of 1,603,870 alleles (0.13%); highest among the groups gnomAD compares: Non-Finnish European, 0.16%; no homozygotes.

Submissions (6):

Labcorp Genetics (formerly Invitae), Labcorp
Classification: Benign for Hereditary spastic paraplegia 11. Last evaluated: 2026-01-28. Review status: criteria provided, single submitter. Criteria: Invitae Variant Classification Sherloc (09022015). Collection method: clinical testing. Allele origin: germline.

Blueprint Genetics
Classification: Likely benign. Last evaluated: 2024-11-07. Review status: criteria provided, single submitter. Criteria: ACMG Guidelines, 2015. Collection method: clinical testing. Allele origin: germline.

GeneDx
Classification: Likely benign. Last evaluated: 2016-05-27. Review status: criteria provided, single submitter. Criteria: GeneDx Variant Classification (06012015). Collection method: clinical testing. Allele origin: germline. Affected: yes.
Comment: This variant is considered likely benign or benign based on one or more of the following criteria: it is a conservative change, it occurs at a poorly conserved position in the protein, it is predicted to be benign by multiple in silico algorithms, and/or has population frequency not consistent with disease.

Genome-Nilou Lab
Classification: Likely benign for Amyotrophic lateral sclerosis type 5. Review status: criteria provided, single submitter. Criteria: ACMG Guidelines, 2015. Collection method: clinical testing. Allele origin: germline.

Genome-Nilou Lab
Classification: Likely benign for Charcot-Marie-Tooth disease axonal type 2X. Review status: criteria provided, single submitter. Criteria: ACMG Guidelines, 2015. Collection method: clinical testing. Allele origin: germline.

Genome-Nilou Lab
Classification: Likely benign for Hereditary spastic paraplegia 11. Review status: criteria provided, single submitter. Criteria: ACMG Guidelines, 2015. Collection method: clinical testing. Allele origin: germline.

NM_025137.4(SPG11):c.257+17A>G

Gene: SPG11 (SPG11 vesicle trafficking associated, spatacsin; minus strand). Cytogenetic location: 15q21.1.
Variant type: single nucleotide variant.
Coding change: c.257+17A>G on transcript NM_025137.4 (MANE Select); 17 bases into the intron after coding-DNA position 257, A replaced by G.
Molecular consequence: intron variant.
Genome position (GRCh38, 1-based): chr15:44,663,374, T>C on the plus strand (A>G on the coding strand, the complement: SPG11 is on the minus strand). VCF-style: chr15-44663374-T-C. GRCh37 (hg19) VCF-style: chr15-44955572-T-C.
Other names: c.257+17A>G (NM_001160227.2).
Identifiers: ClinVar variation 386681 (VCV000386681.11), dbSNP rs201878138, ClinGen allele CA7535913.